The following is an entry in ClinVar:

ClinVar aggregate classification (germline): Pathogenic/Likely pathogenic. Review status: criteria provided, multiple submitters, no conflicts (2 of 4 stars). 2 submissions from 2 submitters: Pathogenic (1); Likely pathogenic (1). Last evaluated 2023-01-09.

Conditions:
DYM-related disorder. Also called: DYM-related condition.
Dyggve-Melchior-Clausen syndrome (DMC). Also called: Dyggve-Melchior-Clausen disease; DMC syndrome. Identifiers: Orphanet 239, MedGen C0265286, MONDO:0009130, OMIM 223800.

Allele frequency attached by ClinVar (database versions not stated): gnomAD exomes below 0.00001.
gnomAD v4.1: 1 of 1,613,522 alleles (0.000062%); highest among the groups gnomAD compares: Non-Finnish European, 0.000085%; no homozygotes.

Submissions (2):

PreventionGenetics, part of Exact Sciences
Classification: Likely pathogenic for DYM-related condition. Last evaluated: 2023-01-09. Review status: criteria provided, single submitter. Criteria: ACMG Guidelines, 2015. Collection method: clinical testing. Allele origin: germline.
Comment: The DYM c.947-2A>G variant is predicted to disrupt the AG splice acceptor site and interfere with normal splicing. To our knowledge, this variant has not been reported in the literature or a large population database, indicating this variant is rare. Variants that disrupt the consensus splice acceptor site in DYM are expected to be pathogenic. This variant is interpreted as likely pathogenic.

Institute of Human Genetics, University of Leipzig Medical Center
Classification: Pathogenic for Dyggve-Melchior-Clausen syndrome. Last evaluated: 2019-01-01. Review status: criteria provided, single submitter. Criteria: ACMG Guidelines, 2015. Collection method: clinical testing. Allele origin: unknown. Affected: yes.

NM_001353214.3(DYM):c.947-2A>G

Gene: DYM (dymeclin; minus strand). Cytogenetic location: 18q21.1.
Variant type: single nucleotide variant.
Coding change: c.947-2A>G on transcript NM_001353214.3 (MANE Select); the canonical splice acceptor site of the intron before coding-DNA position 947, A replaced by G.
Molecular consequence: splice acceptor variant.
Genome position (GRCh38, 1-based): chr18:49,282,177, T>C on the plus strand (A>G on the coding strand, the complement: DYM is on the minus strand). VCF-style: chr18-49282177-T-C. GRCh37 (hg19) VCF-style: chr18-46808547-T-C.
Other names: c.941-2A>G (NM_001374439.1, NM_001374429.1); c.944-2A>G (NM_001353211.3, NM_001353212.3, NM_001374438.1 and 3 more transcripts); c.374-2A>G (NM_001374443.1); c.377-2A>G (NM_001374444.1, NM_001374442.1, NM_001374441.1); c.719-2A>G (NM_001374440.1); c.821-2A>G (NM_001374436.1, NM_001374432.1); c.764-2A>G (NM_001374437.1); c.947-2A>G (NM_001353216.3, NM_001374434.1, NM_017653.6 and 5 more transcripts).
Identifiers: ClinVar variation 982866 (VCV000982866.2), dbSNP rs567638775, ClinGen allele CA300379610.